The following is an entry in ClinVar:

ClinVar aggregate classification (germline): Benign/Likely benign. Review status: criteria provided, multiple submitters, no conflicts (2 of 4 stars). 3 submissions from 3 submitters: Benign (1); Likely benign (2). Last evaluated 2024-06-13.

Conditions:
Familial cancer of breast. Also called: Hereditary breast cancer; hereditary breast carcinoma; BREAST CANCER, FAMILIAL. Identifiers: Orphanet 227535, MedGen C0346153, MONDO:0016419, OMIM 114480. Disease mechanism: loss of function.
Hereditary cancer-predisposing syndrome. Also called: Neoplastic Syndromes, Hereditary; Tumor predisposition; Hereditary Cancer Syndrome; Hereditary neoplastic syndrome. Identifiers: Orphanet 140162, MedGen C0027672, MeSH D009386, MONDO:0015356.
Ataxia-telangiectasia syndrome (AT). Also called: Ataxia telangiectasia (A-T); ATAXIA-TELANGIECTASIA, COMPLEMENTATION GROUP A; ATAXIA-TELANGIECTASIA, FRESNO VARIANT; Ataxia-telangiectasia; Ataxia-telangiectasia, complementation group E; LOUIS-BAR SYNDROME. Identifiers: Orphanet 100, MedGen C0004135, MONDO:0008840, OMIM 208900.

gnomAD v4.1: 1 of 1,614,204 alleles (0.000062%); highest among the groups gnomAD compares: Non-Finnish European, 0.000085%; no homozygotes.

Submissions (3):

Myriad Genetics, Inc.
Classification: Benign for Familial cancer of breast. Last evaluated: 2024-06-13. Review status: criteria provided, single submitter. Criteria: Myriad Autosomal Dominant, Autosomal Recessive and X-Linked Classification Criteria (2023). Collection method: clinical testing. Allele origin: unknown.
Comment: This variant is considered benign. This variant is a silent/synonymous amino acid change and it is not expected to impact splicing.

Ambry Genetics
Classification: Likely benign for Hereditary cancer-predisposing syndrome. Last evaluated: 2024-02-18. Review status: criteria provided, single submitter. Criteria: Ambry Variant Classification Scheme 2023. Collection method: clinical testing. Allele origin: germline.

Labcorp Genetics (formerly Invitae), Labcorp
Classification: Likely benign for Ataxia-telangiectasia syndrome. Last evaluated: 2023-05-02. Review status: criteria provided, single submitter. Criteria: Invitae Variant Classification Sherloc (09022015). Collection method: clinical testing. Allele origin: germline.

NM_000051.4(ATM):c.7347A>G (p.Glu2449=)

Genes: ATM (ATM serine/threonine kinase; plus strand), C11orf65 (chromosome 11 open reading frame 65; minus strand). Cytogenetic location: 11q22.3.
Variant type: single nucleotide variant.
Coding change: c.7347A>G on transcript NM_000051.4 (MANE Select); coding-DNA position 7347, A replaced by G.
Protein change: p.Glu2449=; no amino-acid change (glutamic acid 2449 retained).
Molecular consequence: synonymous variant. On other transcripts: intron variant (2).
Genome position (GRCh38, 1-based): chr11:108,330,253, A>G. VCF-style: chr11-108330253-A-G. GRCh37 (hg19) VCF-style: chr11-108200980-A-G.
Other names: c.7347A>G, p.Glu2449= (NM_001351834.2); c.641-21182T>C (NM_001330368.2); c.*38+4967T>C (NM_001351110.2).
Identifiers: ClinVar variation 1133683 (VCV001133683.11), dbSNP rs2136454257, ClinGen allele CA476676845.